The following is an entry in ClinVar:

ClinVar aggregate classification (germline): Uncertain significance (1 of 4 stars; one submission).

Submission:

Laboratory for Molecular Medicine, Mass General Brigham Personalized Medicine
Classification: Uncertain significance. Last evaluated: 2016-06-16. Review status: criteria provided, single submitter. Criteria: LMM Criteria. Collection method: clinical testing. Allele origin: germline.
Comment: Variant identified in a genome or exome case(s) and assessed due to predicted null impact of the variant or pathogenic assertions in the literature or databases. Disclaimer: This variant has not undergone full assessment. The following are preliminary notes: Frameshift in last exon - also an alternatively spliced exon (this variant would be intronic in longer transcripts)

NM_000238.4(KCNH2):c.2398+71del

Gene: KCNH2 (potassium voltage-gated channel subfamily H member 2; minus strand). Cytogenetic location: 7q36.1.
Variant type: Deletion.
Coding change: c.2398+71del on transcript NM_000238.4 (MANE Select); 71 bases into the intron after coding-DNA position 2398, one base deleted (T; older notation c.2398+71delT).
Molecular consequence: intron variant. On other transcripts: frameshift variant (6).
Genome position (GRCh38, 1-based): chr7:150,950,097, A deleted on the plus strand (T on the coding strand, the reverse complement: KCNH2 is on the minus strand). VCF-style (leftmost placement, unchanged base first): chr7-150950096-TA-T. GRCh37 (hg19) VCF-style: chr7-150647184-TA-T.
Other names: c.2469delT (NM_172056.2); c.1449del, p.Asn483fs (NM_001204798.2); c.2292delT, p.Asn764Lysfs (NM_001406755.1); c.2181delT, p.Asn727Lysfs (NM_001406756.1); c.2169delT, p.Asn723Lysfs (NM_001406757.1); c.2469delT, p.Asn823Lysfs (NM_172056.3); c.1378+71del (NM_172057.3); short protein forms N483fs, N823fs.
Identifiers: ClinVar variation 402996 (VCV000402996.6), dbSNP rs1060499871, ClinGen allele CA16609732.